The following is an entry in ClinVar:

ClinVar aggregate classification (germline): Uncertain significance (0 of 4 stars; one submission).

Conditions:
KCNK18-related disorder. Also called: KCNK18-related condition.

gnomAD v4.1: 66 of 1,614,048 alleles (0.0041%); highest among the groups gnomAD compares: Middle Eastern, 0.082%; 1 homozygote.

Submission:

PreventionGenetics, part of Exact Sciences
Classification: Uncertain significance for KCNK18-related condition. Last evaluated: 2024-08-28. Review status: no assertion criteria provided. Collection method: clinical testing. Allele origin: germline.
Comment: The KCNK18 c.1036G>A variant is predicted to result in the amino acid substitution p.Val346Ile. To our knowledge, this variant has not been reported in the literature. This variant is reported in 0.028% of alleles in individuals of African descent in gnomAD. At this time, the clinical significance of this variant is uncertain due to the absence of conclusive functional and genetic evidence.

NM_181840.1(KCNK18):c.1036G>A (p.Val346Ile)

Gene: KCNK18 (potassium two pore domain channel subfamily K member 18; plus strand). Cytogenetic location: 10q25.3.
Variant type: single nucleotide variant.
Coding change: c.1036G>A on transcript NM_181840.1 (MANE Select); coding-DNA position 1036, G replaced by A.
Protein change: p.Val346Ile; replaces valine 346 with isoleucine.
Molecular consequence: missense variant.
Genome position (GRCh38, 1-based): chr10:117,210,180, G>A. VCF-style: chr10-117210180-G-A. GRCh37 (hg19) VCF-style: chr10-118969691-G-A.
Other names: short protein forms V346I.
Identifiers: ClinVar variation 3356064 (VCV003356064.1).
Genomic context (GRCh38, chr10:117,210,180, plus strand): 5'-TTTGGGGATACTGTTTTAGAACACCCTAACTTCTTCCTGTTCTTCTCCATTTATATCATC[G>A]TTGGAATGGAGATTGTGTTCATTGCTTTCAAGTTGGTGCAAAACAGGCTGATTGACATAT-3'
Protein context (NP_862823.1, residues 336-356): FFLFFSIYII[Val346Ile]GMEIVFIAFK